The following is an entry in ClinVar:

ClinVar aggregate classification (germline): Likely benign (1 of 4 stars; one submission).

Allele frequency attached by ClinVar (database versions not stated): gnomAD 0.00002; TOPMed 0.00005; gnomAD exomes 0.00007; ExAC 0.00014.
gnomAD v4.1: 77 of 1,208,322 alleles (0.0064%); highest among the groups gnomAD compares: Middle Eastern, 0.28%; no homozygotes.

Submission:

CeGaT Center for Human Genetics Tuebingen
Classification: Likely benign. Last evaluated: 2023-01-01. Review status: criteria provided, single submitter. Criteria: CeGaT Center For Human Genetics Tuebingen Variant Classification Criteria Version 2. Collection method: clinical testing. Allele origin: germline. Affected: yes. Observed: 1 variant allele.
Comment: GCNA: BP4, BS2

NM_052957.5(GCNA):c.1597G>A (p.Val533Ile)

Gene: GCNA (germ cell nuclear acidic peptidase; plus strand). Cytogenetic location: Xq13.1.
Variant type: single nucleotide variant.
Coding change: c.1597G>A on transcript NM_052957.5 (MANE Select); coding-DNA position 1597, G replaced by A.
Protein change: p.Val533Ile; replaces valine 533 with isoleucine.
Molecular consequence: missense variant.
Genome position (GRCh38, 1-based): chrX:71,609,103, G>A. VCF-style: chrX-71609103-G-A. GRCh37 (hg19) VCF-style: chrX-70828953-G-A.
Other names: short protein forms V533I.
Identifiers: ClinVar variation 2660888 (VCV002660888.24), dbSNP rs201497331, ClinGen allele CA10448267.
Genomic context (GRCh38, chrX:71,609,103, plus strand): 5'-AATTTAAAGCGAAATAAGGATGAATTGGTTCAGAGAATCTACGACCTGTTTAACAGATCC[G>A]TCTGTGATAAAAAGGTAGGATCAATGAATGAGCACTGATTGAGCACCTGCTATACACCAG-3'
Protein context (NP_443189.1, residues 523-543): QRIYDLFNRS[Val533Ile]CDKKLPEKLR